The following is an entry in ClinVar:

NM_020163.3(SEMA3G):c.1371G>A (p.Gly457=)

Gene: SEMA3G (semaphorin 3G; minus strand). Cytogenetic location: 3p21.1.
Variant type: single nucleotide variant.
Coding change: c.1371G>A on transcript NM_020163.3 (MANE Select); coding-DNA position 1371, G replaced by A.
Protein change: p.Gly457=; no amino-acid change (glycine 457 retained).
Molecular consequence: synonymous variant.
Genome position (GRCh38, 1-based): chr3:52,439,871, C>T on the plus strand (G>A on the coding strand, the complement: SEMA3G is on the minus strand). VCF-style: chr3-52439871-C-T. GRCh37 (hg19) VCF-style: chr3-52473887-C-T.
Identifiers: ClinVar variation 3358088 (VCV003358088.1).

ClinVar aggregate classification (germline): Likely benign (0 of 4 stars; one submission).

Conditions:
SEMA3G-related disorder. Also called: SEMA3G-related condition.

Submission:

PreventionGenetics, part of Exact Sciences
Classification: Likely benign for SEMA3G-related condition. Last evaluated: 2023-12-06. Review status: no assertion criteria provided. Collection method: clinical testing. Allele origin: germline.
Comment: This variant is classified as likely benign based on ACMG/AMP sequence variant interpretation guidelines (Richards et al. 2015 PMID: 25741868, with internal and published modifications).